The following is an entry in ClinVar:

NM_006940.6(SOX5):c.1226C>A (p.Pro409His)

Gene: SOX5 (SRY-box transcription factor 5; minus strand). Cytogenetic location: 12p12.1.
Variant type: single nucleotide variant.
Coding change: c.1226C>A on transcript NM_006940.6 (MANE Select); coding-DNA position 1226, C replaced by A.
Protein change: p.Pro409His; replaces proline 409 with histidine.
Molecular consequence: missense variant. On other transcripts: intron variant (1).
Genome position (GRCh38, 1-based): chr12:23,575,777, G>T on the plus strand (C>A on the coding strand, the complement: SOX5 is on the minus strand). VCF-style: chr12-23575777-G-T. GRCh37 (hg19) VCF-style: chr12-23728711-G-T.
Other names: c.1196C>A, p.Pro399His (NM_001261415.3); c.1121C>A, p.Pro374His (NM_001330785.2); c.1187C>A, p.Pro396His (NM_152989.5); c.68C>A, p.Pro23His (NM_178010.4); c.1125+28610C>A (NM_001261414.3); short protein forms P399H, P23H, P374H, P396H, P409H.
Identifiers: ClinVar variation 1033168 (VCV001033168.3), dbSNP rs1565958110, ClinGen allele CA384317511.

ClinVar aggregate classification (germline): Uncertain significance. Review status: criteria provided, multiple submitters, no conflicts (2 of 4 stars). 3 submissions from 3 submitters: Uncertain significance (3). Last evaluated 2026-06-03.

Conditions:
Lamb-Shaffer syndrome. Identifiers: Orphanet 313884, Orphanet 313892, Orphanet 530983, MedGen C4225202, MONDO:0014778, OMIM 616803.
Inborn genetic diseases. Identifiers: MedGen C0950123, MeSH D030342.

Allele frequency attached by ClinVar (database versions not stated): gnomAD exomes below 0.00001; TOPMed below 0.00001; gnomAD 0.00001.
gnomAD v4.1: 5 of 1,610,980 alleles (0.00031%); highest among the groups gnomAD compares: Non-Finnish European, 0.00042%; no homozygotes.

Submissions (3):

Ambry Genetics
Classification: Uncertain significance for Inborn genetic diseases. Last evaluated: 2026-06-03. Review status: criteria provided, single submitter. Criteria: Ambry Variant Classification Scheme 2023. Collection method: clinical testing. Allele origin: germline.
Comment: The c.1226C>A (p.P409H) alteration is located in exon 10 (coding exon 10) of the SOX5 gene. This alteration results from a C to A substitution at nucleotide position 1226, causing the proline (P) at amino acid position 409 to be replaced by a histidine (H). Based on data from gnomAD, the A allele has an overall frequency of <0.001% (1/247218) total alleles studied. The highest observed frequency was 0.001% (1/111876) of European (non-Finnish) alleles. Based on insufficient or conflicting evidence, the clinical significance of this alteration remains unclear.

Department of Pathology and Laboratory Medicine, Sinai Health System
Classification: Uncertain significance for Lamb-Shaffer syndrome. Last evaluated: 2023-02-09. Review status: criteria provided, single submitter. Criteria: ACMG Guidelines, 2015. Collection method: research. Allele origin: germline.

Baylor Genetics
Classification: Uncertain significance for Lamb-Shaffer syndrome. Last evaluated: 2018-06-29. Review status: criteria provided, single submitter. Criteria: ACMG Guidelines, 2015. Collection method: clinical testing. Allele origin: unknown. Affected: yes.
Comment: This variant was determined to be of uncertain significance according to ACMG Guidelines, 2015 [PMID:25741868].